The following is an entry in ClinVar:

ClinVar aggregate classification (germline): Pathogenic (1 of 4 stars; one submission).

Conditions:
Epidermodysplasia verruciformis. Identifiers: Orphanet 302, MedGen C0014522, MONDO:0009176.

gnomAD v4.1: 2 of 1,613,938 alleles (0.00012%); highest among the groups gnomAD compares: Non-Finnish European, 0.00017%; no homozygotes.

Submission:

Labcorp Genetics (formerly Invitae), Labcorp
Classification: Pathogenic for Epidermodysplasia verruciformis. Last evaluated: 2025-10-11. Review status: criteria provided, single submitter. Criteria: Invitae Variant Classification Sherloc (09022015). Collection method: clinical testing. Allele origin: germline.
Comment: This sequence change creates a premature translational stop signal (p.Glu330*) in the TMC8 gene. It is expected to result in an absent or disrupted protein product. Loss-of-function variants in TMC8 are known to be pathogenic (PMID: 12426567, 22158547). This variant is not present in population databases (gnomAD no frequency). This variant has not been reported in the literature in individuals affected with TMC8-related conditions. Algorithms developed to predict the effect of sequence changes on RNA splicing suggest that this variant may create or strengthen a splice site. For these reasons, this variant has been classified as Pathogenic.

Literature cited by the submitters: PubMed 12426567; PubMed 22158547.

NM_152468.5(TMC8):c.988G>T (p.Glu330Ter)

Gene: TMC8 (transmembrane channel like 8; plus strand). Cytogenetic location: 17q25.3.
Variant type: single nucleotide variant.
Coding change: c.988G>T on transcript NM_152468.5 (MANE Select); coding-DNA position 988, G replaced by T.
Protein change: p.Glu330Ter; replaces glutamic acid 330 with a stop codon.
Molecular consequence: nonsense.
Genome position (GRCh38, 1-based): chr17:78,134,870, G>T. VCF-style: chr17-78134870-G-T. GRCh37 (hg19) VCF-style: chr17-76130951-G-T.
Other names: short protein forms E330*.
Identifiers: ClinVar variation 4760179 (VCV004760179.1).